The following is an entry in ClinVar:

ClinVar aggregate classification (germline): Pathogenic. Review status: criteria provided, multiple submitters, no conflicts (2 of 4 stars). 2 submissions from 2 submitters: Pathogenic (2). Last evaluated 2021-11-21.

Conditions:
Lymphatic malformation 7 (LMPHM7). Also called: Hydrops fetalis, nonimmune, and/or atrial septal defect, susceptibility to. Identifiers: MedGen C4310629, MONDO:0015009, OMIM 617300.
Capillary malformation-arteriovenous malformation 2 (CMAVM2). Identifiers: Orphanet 693912, MedGen C4748670, MONDO:0020785, OMIM 618196.

Submissions (2):

Labcorp Genetics (formerly Invitae), Labcorp
Classification: Pathogenic. Last evaluated: 2021-11-21. Review status: criteria provided, single submitter. Criteria: Invitae Variant Classification Sherloc (09022015). Collection method: clinical testing. Allele origin: germline.
Comment: For these reasons, this variant has been classified as Pathogenic. This variant has not been reported in the literature in individuals affected with EPHB4-related conditions. The frequency data for this variant in the population databases is considered unreliable, as metrics indicate poor data quality at this position in the gnomAD database. This sequence change creates a premature translational stop signal (p.Leu347Profs*34) in the EPHB4 gene. It is expected to result in an absent or disrupted protein product. Loss-of-function variants in EPHB4 are known to be pathogenic (PMID: 28687708).

Juno Genomics, Hangzhou Juno Genomics, Inc
Classification: Pathogenic for Capillary malformation-arteriovenous malformation 2; Lymphatic malformation 7. Review status: criteria provided, single submitter. Criteria: ACMG Guidelines, 2015. Collection method: clinical testing. Allele origin: germline. Affected: yes.
Comment: Absent from controls (or at extremely low frequency if recessive) in Genome Aggregation Database, Exome Sequencing Project, 1000 Genomes Project, or Exome Aggregation Consortium.;Null variant in a gene where loss of function (LOF) is a known mechanism of disease.;Patient's phenotype or family history is highly specific for a disease with a single genetic etiology.

Literature cited by the submitters: PubMed 28687708 (cited by Labcorp Genetics (formerly Invitae), Labcorp).

NM_004444.5(EPHB4):c.1039dup (p.Leu347fs)

Gene: EPHB4 (EPH receptor B4; minus strand). Cytogenetic location: 7q22.1.
Variant type: Duplication.
Coding change: c.1039dup on transcript NM_004444.5 (MANE Select); coding-DNA position 1039, one base duplicated (C; older notation c.1039dupC).
Protein change: p.Leu347fs; shifts the reading frame from leucine 347.
Molecular consequence: frameshift variant.
Genome position (GRCh38, 1-based): chr7:100,819,815, G duplicated on the plus strand (C on the coding strand, the reverse complement: EPHB4 is on the minus strand); the first of 6 consecutive G bases (chr7:100,819,815-100,819,820); duplicating any one gives the same sequence. VCF-style (leftmost placement, unchanged base first): chr7-100819814-A-AG. GRCh37 (hg19) VCF-style: chr7-100417436-A-AG.
Other names: short protein forms L347fs.
Identifiers: ClinVar variation 1426188 (VCV001426188.8), dbSNP rs767827881, ClinGen allele CA4393118.
Genomic context (GRCh38, chr7:100,819,814, plus strand): 5'-CCGGGTCGGCACTCCCGGCAGCGGAGGGCGTAGGTGAGGTCCTCTCGGCCACCAGACTCC[A>AG]GGGGGGCACTCCATTCCAGGTGCAGGGAGGAGCCGTTCAGGCGGGAAACCACGCTCCGCG-3'